The following is an entry in ClinVar:

ClinVar aggregate classification (germline): Benign/Likely benign. Review status: criteria provided, multiple submitters, no conflicts (2 of 4 stars). 4 submissions from 4 submitters: Benign (1); Likely benign (3). Last evaluated 2025-02-25.

Conditions:
Hereditary cancer-predisposing syndrome. Also called: Hereditary Cancer Syndrome; Neoplastic Syndromes, Hereditary; Hereditary neoplastic syndrome; Tumor predisposition. Identifiers: Orphanet 140162, MedGen C0027672, MeSH D009386, MONDO:0015356.
Breast-ovarian cancer, familial, susceptibility to, 4. Identifiers: Orphanet 145, MedGen C3280345, MONDO:0013669, OMIM 614291.

Submissions (4):

Myriad Genetics, Inc.
Classification: Benign for Breast-ovarian cancer, familial, susceptibility to, 4. Last evaluated: 2025-02-25. Review status: criteria provided, single submitter. Criteria: Myriad Autosomal Dominant, Autosomal Recessive and X-Linked Classification Criteria (2023). Collection method: clinical testing. Allele origin: unknown.
Comment: This variant is considered benign. This variant is a silent/synonymous amino acid change and it is not expected to impact splicing.

Labcorp Genetics (formerly Invitae), Labcorp
Classification: Likely benign for Breast-ovarian cancer, familial, susceptibility to, 4. Last evaluated: 2025-01-06. Review status: criteria provided, single submitter. Criteria: Invitae Variant Classification Sherloc (09022015). Collection method: clinical testing. Allele origin: germline.

Ambry Genetics
Classification: Likely benign for Hereditary cancer-predisposing syndrome. Last evaluated: 2024-05-10. Review status: criteria provided, single submitter. Criteria: Ambry Variant Classification Scheme 2023. Collection method: clinical testing. Allele origin: germline.

Color Diagnostics, LLC DBA Color Health
Classification: Likely benign for Hereditary cancer-predisposing syndrome. Last evaluated: 2023-05-01. Review status: criteria provided, single submitter. Criteria: ACMG Guidelines, 2015. Collection method: clinical testing. Allele origin: germline.

NM_002878.4(RAD51D):c.930C>T (p.Asp310=)

Genes: RAD51L3-RFFL (RAD51L3-RFFL readthrough; minus strand), RAD51D (RAD51 paralog D; minus strand). Cytogenetic location: 17q12.
Variant type: single nucleotide variant.
Coding change: c.930C>T on transcript NM_002878.4 (MANE Select); coding-DNA position 930, C replaced by T.
Protein change: p.Asp310=; no amino-acid change (aspartic acid 310 retained).
Molecular consequence: synonymous variant. On other transcripts: non-coding transcript variant (2).
Genome position (GRCh38, 1-based): chr17:35,101,010, G>A on the plus strand (C>T on the coding strand, the complement: RAD51D is on the minus strand). VCF-style: chr17-35101010-G-A. GRCh37 (hg19) VCF-style: chr17-33428029-G-A.
Other names: c.930C>T (NM_002878.3); c.990C>T, p.Asp330= (NM_001142571.2); c.594C>T, p.Asp198= (NM_133629.3).
Identifiers: ClinVar variation 1088506 (VCV001088506.11), dbSNP rs2142409178, ClinGen allele CA499728604.